The following is an entry in ClinVar:

NM_004183.4(BEST1):c.506A>G (p.Lys169Arg)

Gene: BEST1 (bestrophin 1; plus strand). Cytogenetic location: 11q12.3.
Variant type: single nucleotide variant.
Coding change: c.506A>G on transcript NM_004183.4 (MANE Select); coding-DNA position 506, A replaced by G.
Protein change: p.Lys169Arg; replaces lysine 169 with arginine.
Molecular consequence: missense variant. On other transcripts: non-coding transcript variant (1).
Genome position (GRCh38, 1-based): chr11:61,956,868, A>G. VCF-style: chr11-61956868-A-G. GRCh37 (hg19) VCF-style: chr11-61724340-A-G.
Other names: c.326A>G, p.Lys109Arg (NM_001139443.3, NM_001300786.2, NM_001300787.2); c.188A>G, p.Lys63Arg (NM_001363591.3); c.506A>G, p.Lys169Arg (NM_001363592.2); c.-670A>G (NM_001363593.3); short protein forms K109R, K169R, K63R.
Identifiers: ClinVar variation 1515596 (VCV001515596.6), dbSNP rs2134437023, ClinGen allele CA380837055.
Genomic context (GRCh38, chr11:61,956,868, plus strand): 5'-TCTCCCACCCACCGCCTTCTTCACTCCACTCTGCAGGCTTTATGACTCCGGCAGAACACA[A>G]GCAGTTGGAGAAACTGAGCCTACCACACAACATGTTCTGGGTGCCCTGGGTGTGGTTTGC-3'
Protein context (NP_004174.1, residues 159-179): QAGFMTPAEH[Lys169Arg]QLEKLSLPHN

ClinVar aggregate classification (germline): Uncertain significance (1 of 4 stars; one submission).

Allele frequency attached by ClinVar (database versions not stated): gnomAD exomes below 0.00001.
gnomAD v4.1: 2 of 1,614,028 alleles (0.00012%); highest among the groups gnomAD compares: Non-Finnish European, 0.000085%; no homozygotes.

Submission:

Labcorp Genetics (formerly Invitae), Labcorp
Classification: Uncertain significance. Last evaluated: 2022-07-26. Review status: criteria provided, single submitter. Criteria: Invitae Variant Classification Sherloc (09022015). Collection method: clinical testing. Allele origin: germline.
Comment: In summary, the available evidence is currently insufficient to determine the role of this variant in disease. Therefore, it has been classified as a Variant of Uncertain Significance. Advanced modeling of protein sequence and biophysical properties (such as structural, functional, and spatial information, amino acid conservation, physicochemical variation, residue mobility, and thermodynamic stability) performed at Invitae indicates that this missense variant is not expected to disrupt BEST1 protein function. ClinVar contains an entry for this variant (Variation ID: 1515596). This variant has not been reported in the literature in individuals affected with BEST1-related conditions. This variant is not present in population databases (gnomAD no frequency). This sequence change replaces lysine, which is basic and polar, with arginine, which is basic and polar, at codon 169 of the BEST1 protein (p.Lys169Arg).